The following is an entry in ClinVar:

NM_001267550.2(TTN):c.50315G>A (p.Trp16772Ter)

Genes: TTN (titin; minus strand), TTN-AS1 (TTN antisense RNA 1; plus strand). Cytogenetic location: 2q31.2.
Variant type: single nucleotide variant.
Coding change: c.50315G>A on transcript NM_001267550.2 (MANE Select); coding-DNA position 50315, G replaced by A.
Protein change: p.Trp16772Ter; replaces tryptophan 16772 with a stop codon.
Molecular consequence: nonsense.
Genome position (GRCh38, 1-based): chr2:178,612,096, C>T on the plus strand (G>A on the coding strand, the complement: TTN is on the minus strand). VCF-style: chr2-178612096-C-T. GRCh37 (hg19) VCF-style: chr2-179476823-C-T.
Other names: c.45392G>A, p.Trp15131Ter (NM_001256850.1); c.23120G>A, p.Trp7707Ter (NM_003319.4); c.42611G>A, p.Trp14204Ter (NM_133378.4); c.23495G>A, p.Trp7832Ter (NM_133432.3); c.23696G>A, p.Trp7899Ter (NM_133437.4); short protein forms W7899*, W7707*, W15131*, W16772*, W7832*, W14204*.
Identifiers: ClinVar variation 1789451 (VCV001789451.2), dbSNP rs2470522609, ClinGen allele CA349597135.

ClinVar aggregate classification (germline): Likely pathogenic (1 of 4 stars; one submission).

Conditions:
Cardiovascular phenotype. Identifiers: MedGen CN230736.

Submission:

Ambry Genetics
Classification: Likely pathogenic for Cardiovascular phenotype. Last evaluated: 2022-01-14. Review status: criteria provided, single submitter. Criteria: Ambry Variant Classification Scheme 2023. Collection method: clinical testing. Allele origin: germline.
Comment: The p.W7707* variant (also known as c.23120G>A), located in coding exon 94 of the TTN gene, results from a G to A substitution at nucleotide position 23120. This changes the amino acid from a tryptophan to a stop codon within coding exon 94. This exon is located in the A-band region of the N2-B isoform of the titin protein and is constitutively expressed in TTN transcripts (percent spliced in or PSI 100%). This variant is considered to be rare based on population cohorts in the Genome Aggregation Database (gnomAD). This alteration is expected to result in loss of function by premature protein truncation or nonsense-mediated mRNA decay. While truncating variants in TTN are present in 1-3% of the general population, truncating variants in the A-band are the most common cause of dilated cardiomyopathy (DCM) (Herman DS et al. N. Engl. J. Med., 2012 Feb;366:619-28; Roberts AM et al. Sci Transl Med, 2015 Jan;7:270ra6). TTN truncating variants encoded in constitutive exons (PSI >90%) have been found to be significantly associated with DCM regardless of their position in titin (Schafer S et al. Nat. Genet., 2017 01;49:46-53). As such, this alteration is classified as likely pathogenic.